The following is an entry in ClinVar:

ClinVar aggregate classification (germline): Uncertain significance. Review status: criteria provided, multiple submitters, no conflicts (2 of 4 stars). 3 submissions from 3 submitters: Uncertain significance (3). Last evaluated 2025-04-01.

Conditions:
Exostoses, multiple, type 2 (EXT2). Also called: EXOSTOSES, MULTIPLE, TYPE II; Hereditary Multiple Osteochondromatosis, Type II. Identifiers: Orphanet 321, MedGen C1851413, MONDO:0007586, OMIM 133701.
Inborn genetic diseases. Identifiers: MedGen C0950123, MeSH D030342.

Allele frequency attached by ClinVar (database versions not stated): gnomAD exomes below 0.00001.
gnomAD v4.1: 2 of 1,614,070 alleles (0.00012%); no homozygotes.

Submissions (3):

Ambry Genetics
Classification: Uncertain significance for Inborn genetic diseases. Last evaluated: 2025-04-01. Review status: criteria provided, single submitter. Criteria: Ambry Variant Classification Scheme 2023. Collection method: clinical testing. Allele origin: germline.

Labcorp Genetics (formerly Invitae), Labcorp
Classification: Uncertain significance for Exostoses, multiple, type 2. Last evaluated: 2025-03-21. Review status: criteria provided, single submitter. Criteria: Invitae Variant Classification Sherloc (09022015). Collection method: clinical testing. Allele origin: germline.
Comment: This sequence change replaces isoleucine, which is neutral and non-polar, with valine, which is neutral and non-polar, at codon 50 of the EXT2 protein (p.Ile50Val). This variant is not present in population databases (gnomAD no frequency). This variant has not been reported in the literature in individuals affected with EXT2-related conditions. ClinVar contains an entry for this variant (Variation ID: 2675212). Invitae Evidence Modeling of protein sequence and biophysical properties (such as structural, functional, and spatial information, amino acid conservation, physicochemical variation, residue mobility, and thermodynamic stability) indicates that this missense variant is not expected to disrupt EXT2 protein function with a negative predictive value of 95%. In summary, the available evidence is currently insufficient to determine the role of this variant in disease. Therefore, it has been classified as a Variant of Uncertain Significance.

Baylor Genetics
Classification: Uncertain significance for Exostoses, multiple, type 2. Last evaluated: 2023-07-18. Review status: criteria provided, single submitter. Criteria: ACMG Guidelines, 2015. Collection method: clinical testing. Allele origin: unknown.

NM_207122.2(EXT2):c.148A>G (p.Ile50Val)

Gene: EXT2 (exostosin glycosyltransferase 2; plus strand). Cytogenetic location: 11p11.2.
Variant type: single nucleotide variant.
Coding change: c.148A>G on transcript NM_207122.2 (MANE Select); coding-DNA position 148, A replaced by G.
Protein change: p.Ile50Val; replaces isoleucine 50 with valine.
Molecular consequence: missense variant.
Genome position (GRCh38, 1-based): chr11:44,107,860, A>G. VCF-style: chr11-44107860-A-G. GRCh37 (hg19) VCF-style: chr11-44129410-A-G.
Other names: c.247A>G, p.Ile83Val (NM_000401.3); c.148A>G, p.Ile50Val (NM_001178083.3, NM_001389628.1, NM_001389630.1); short protein forms I50V, I83V.
Identifiers: ClinVar variation 2675212 (VCV002675212.5), dbSNP rs2539515117, ClinGen allele CA380179725.